The following is an entry in ClinVar:

ClinVar aggregate classification (germline): Likely benign. Review status: criteria provided, multiple submitters, no conflicts (2 of 4 stars). 2 submissions from 2 submitters: Likely benign (2). Last evaluated 2023-10-11.

Conditions:
Charcot-Marie-Tooth disease type 4. Also called: Charcot-Marie-Tooth disease, type IV; Charcot-Marie-Tooth, Type 4. Identifiers: Orphanet 64749, MedGen C4082197, MONDO:0018995.

Allele frequency attached by ClinVar (database versions not stated): gnomAD exomes below 0.00001.
gnomAD v4.1: 2 of 1,613,984 alleles (0.00012%); highest among the groups gnomAD compares: Non-Finnish European, 0.00017%; no homozygotes.

Submissions (2):

Labcorp Genetics (formerly Invitae), Labcorp
Classification: Likely benign for Charcot-Marie-Tooth disease type 4. Last evaluated: 2023-10-11. Review status: criteria provided, single submitter. Criteria: Invitae Variant Classification Sherloc (09022015). Collection method: clinical testing. Allele origin: germline.

GeneDx
Classification: Likely benign. Last evaluated: 2017-10-26. Review status: criteria provided, single submitter. Criteria: GeneDx Variant Classification (06012015). Collection method: clinical testing. Allele origin: germline. Affected: yes.
Comment: This variant is considered likely benign or benign based on one or more of the following criteria: it is a conservative change, it occurs at a poorly conserved position in the protein, it is predicted to be benign by multiple in silico algorithms, and/or has population frequency not consistent with disease.

NM_001370298.3(FGD4):c.2451C>T (p.Pro817=)

Gene: FGD4 (FYVE, RhoGEF and PH domain containing 4; plus strand). Cytogenetic location: 12p11.21.
Variant type: single nucleotide variant.
Coding change: c.2451C>T on transcript NM_001370298.3 (MANE Select); coding-DNA position 2451, C replaced by T.
Protein change: p.Pro817=; no amino-acid change (proline 817 retained).
Molecular consequence: synonymous variant.
Genome position (GRCh38, 1-based): chr12:32,638,792, C>T. VCF-style: chr12-32638792-C-T. GRCh37 (hg19) VCF-style: chr12-32791726-C-T.
Other names: c.2295C>T, p.Pro765= (NM_001304481.2); c.1296C>T, p.Pro432= (NM_001304483.2); c.1008C>T, p.Pro336= (NM_001304484.2); c.1761C>T, p.Pro587= (NM_001330373.2, NM_001330374.2, NM_001384130.1); c.1488C>T, p.Pro496= (NM_001370297.1); c.2451C>T, p.Pro817= (NM_001384126.1); c.2040C>T, p.Pro680= (NM_001384127.1, NM_001384128.1, NM_001385118.1 and 1 more transcripts).
Identifiers: ClinVar variation 512675 (VCV000512675.4), dbSNP rs1314359233, ClinGen allele CA479169934.